The following is an entry in ClinVar:

NM_015102.5(NPHP4):c.4221C>T (p.Tyr1407=)

Gene: NPHP4 (nephrocystin 4; minus strand). Cytogenetic location: 1p36.31.
Variant type: single nucleotide variant.
Coding change: c.4221C>T on transcript NM_015102.5 (MANE Select); coding-DNA position 4221, C replaced by T.
Protein change: p.Tyr1407=; no amino-acid change (tyrosine 1407 retained).
Molecular consequence: synonymous variant. On other transcripts: non-coding transcript variant (1).
Genome position (GRCh38, 1-based): chr1:5,863,325, G>A on the plus strand (C>T on the coding strand, the complement: NPHP4 is on the minus strand). VCF-style: chr1-5863325-G-A. GRCh37 (hg19) VCF-style: chr1-5923385-G-A.
Other names: c.2682C>T, p.Tyr894= (NM_001291593.2); c.2685C>T, p.Tyr895= (NM_001291594.2); c.4221C>T (NM_015102.4).
Identifiers: ClinVar variation 597701 (VCV000597701.14), dbSNP rs767715436, ClinGen allele CA553297.

ClinVar aggregate classification (germline): Conflicting classifications of pathogenicity. Review status: criteria provided, conflicting classifications (1 of 4 stars). 3 submissions from 3 submitters: Uncertain significance (1); Likely benign (2). Last evaluated 2025-05-01.

Conditions:
NPHP4-related disorder. Also called: NPHP4-related condition; NPHP4-related disorders. Identifiers: MedGen CN239384.
Nephronophthisis. Also called: Juvenile Nephronophthisis. Identifiers: Orphanet 655, MedGen C0687120, MONDO:0019005, HP:0000090.

Allele frequency attached by ClinVar (database versions not stated): ExAC 0.00001; gnomAD exomes 0.00001; TOPMed 0.00001.
gnomAD v4.1: 7 of 1,613,970 alleles (0.00043%); highest among the groups gnomAD compares: Non-Finnish European, 0.00059%; no homozygotes.

Submissions (3):

PreventionGenetics, part of Exact Sciences
Classification: Likely benign for NPHP4-related condition. Last evaluated: 2025-05-01. Review status: criteria provided, single submitter. Criteria: ACMG Guidelines, 2015. Collection method: clinical testing. Allele origin: germline.
Comment: This variant is classified as likely benign based on ACMG/AMP sequence variant interpretation guidelines (Richards et al. 2015 PMID: 25741868, with internal and published modifications).

Labcorp Genetics (formerly Invitae), Labcorp
Classification: Likely benign for Nephronophthisis. Last evaluated: 2025-02-03. Review status: criteria provided, single submitter. Criteria: Invitae Variant Classification Sherloc (09022015). Collection method: clinical testing. Allele origin: germline.

Eurofins Ntd Llc (ga)
Classification: Uncertain significance. Last evaluated: 2018-06-22. Review status: criteria provided, single submitter. Criteria: EGL ClinVar v180209 classification definitions. Collection method: clinical testing. Allele origin: germline. Observed: 1 variant allele, 1 heterozygote.